The following is an entry in ClinVar:

ClinVar aggregate classification (germline): Pathogenic (1 of 4 stars; one submission).

Conditions:
Hereditary cancer-predisposing syndrome. Also called: Hereditary Cancer Syndrome; Hereditary neoplastic syndrome; Neoplastic Syndromes, Hereditary; Tumor predisposition. Identifiers: Orphanet 140162, MedGen C0027672, MeSH D009386, MONDO:0015356.

Submission:

Ambry Genetics
Classification: Pathogenic for Hereditary cancer-predisposing syndrome. Last evaluated: 2019-11-14. Review status: criteria provided, single submitter. Criteria: Ambry Variant Classification Scheme 2023. Collection method: clinical testing. Allele origin: germline.
Comment: The c.4512_4513delCA pathogenic mutation, located in coding exon 15 of the APC gene, results from a deletion of two nucleotides at nucleotide positions 4512 to 4513, causing a translational frameshift with a predicted alternate stop codon (p.S1505Pfs*8). This alteration is expected to result in loss of function by premature protein truncation or nonsense-mediated mRNA decay. As such, this alteration is interpreted as a disease-causing mutation.

NM_000038.6(APC):c.4512_4513del (p.Ser1505fs)

Gene: APC (APC regulator of Wnt signaling pathway; plus strand). Cytogenetic location: 5q22.2.
Variant type: Deletion.
Coding change: c.4512_4513del on transcript NM_000038.6 (MANE Select); coding-DNA positions 4512 to 4513, 2 bases deleted (CA; older notation c.4512_4513delCA).
Protein change: p.Ser1505fs; shifts the reading frame from serine 1505.
Molecular consequence: frameshift variant.
Genome position (GRCh38, 1-based): chr5:112,840,106-112,840,107, CA deleted. VCF-style (leftmost placement, unchanged base first): chr5-112840105-CCA-C. GRCh37 (hg19) VCF-style: chr5-112175802-CCA-C.
Other names: c.4512_4513del, p.Ser1505fs (NM_001127510.3, NM_001354895.2); c.4458_4459del, p.Ser1487fs (NM_001127511.3); c.4566_4567del, p.Ser1523fs (NM_001354896.2); c.4542_4543del, p.Ser1515fs (NM_001354897.2); c.4437_4438del, p.Ser1480fs (NM_001354898.2); c.4428_4429del, p.Ser1477fs (NM_001354899.2); c.4389_4390del, p.Ser1464fs (NM_001354900.2); c.4335_4336del, p.Ser1446fs (NM_001354901.2); and 16 more; short protein forms S1379fs, S1446fs, S1523fs, S1345fs, S1414fs, S1464fs, S1480fs, S1515fs.
Identifiers: ClinVar variation 1741134 (VCV001741134.2), dbSNP rs2533579941, ClinGen allele CA2580072530.